The following is an entry in ClinVar:

ClinVar aggregate classification (germline): Likely benign. Review status: criteria provided, multiple submitters, no conflicts (2 of 4 stars). 3 submissions from 3 submitters: Likely benign (3). Last evaluated 2025-01-01.

Conditions:
Early-infantile DEE. Also called: Ohtahara syndrome; Early infantile epileptic encephalopathy; Early infantile epileptic encephalopathy with suppression bursts. Identifiers: Orphanet 1934, MedGen C0393706, MONDO:0800491.
Inborn genetic diseases. Identifiers: MedGen C0950123, MeSH D030342.

Allele frequency attached by ClinVar (database versions not stated): ExAC 0.00001; gnomAD exomes 0.00001.
gnomAD v4.1: 13 of 1,613,506 alleles (0.00081%); highest among the groups gnomAD compares: South Asian, 0.011%; no homozygotes.

Submissions (3):

CeGaT Center for Human Genetics Tuebingen
Classification: Likely benign. Last evaluated: 2025-01-01. Review status: criteria provided, single submitter. Criteria: CeGaT Center For Human Genetics Tuebingen Variant Classification Criteria Version 2. Collection method: clinical testing. Allele origin: germline. Affected: yes. Observed: 1 variant allele.
Comment: SPTAN1: BP4, BP7

Labcorp Genetics (formerly Invitae), Labcorp
Classification: Likely benign for Early-infantile DEE. Last evaluated: 2021-10-02. Review status: criteria provided, single submitter. Criteria: Invitae Variant Classification Sherloc (09022015). Collection method: clinical testing. Allele origin: germline.

Ambry Genetics
Classification: Likely benign for Inborn genetic diseases. Last evaluated: 2016-09-06. Review status: criteria provided, single submitter. Criteria: Ambry Variant Classification Scheme 2023. Collection method: clinical testing. Allele origin: germline.

NM_001130438.3(SPTAN1):c.6790A>C (p.Arg2264=)

Gene: SPTAN1 (spectrin alpha, non-erythrocytic 1; plus strand). Cytogenetic location: 9q34.11.
Variant type: single nucleotide variant.
Coding change: c.6790A>C on transcript NM_001130438.3 (MANE Select); coding-DNA position 6790, A replaced by C.
Protein change: p.Arg2264=; no amino-acid change (arginine 2264 retained).
Molecular consequence: synonymous variant.
Genome position (GRCh38, 1-based): chr9:128,632,154, A>C. VCF-style: chr9-128632154-A-C. GRCh37 (hg19) VCF-style: chr9-131394433-A-C.
Other names: c.6715A>C, p.Arg2239= (NM_001195532.2); c.6853A>C, p.Arg2285= (NM_001363759.2); c.6730A>C, p.Arg2244= (NM_001363765.2); c.6775A>C, p.Arg2259= (NM_003127.4).
Identifiers: ClinVar variation 588232 (VCV000588232.27), dbSNP rs766550915, ClinGen allele CA5265916.